The following is an entry in ClinVar:

ClinVar aggregate classification (germline): Uncertain significance (1 of 4 stars; one submission).

Conditions:
Spastic paraplegia. Identifiers: MedGen C0037772, HP:0001258.

Allele frequency attached by ClinVar (database versions not stated): TOPMed 0.00001.
gnomAD v4.1: 21 of 1,604,096 alleles (0.0013%); highest among the groups gnomAD compares: Non-Finnish European, 0.0016%; no homozygotes.

Submission:

Labcorp Genetics (formerly Invitae), Labcorp
Classification: Uncertain significance for Spastic paraplegia. Last evaluated: 2025-10-09. Review status: criteria provided, single submitter. Criteria: Invitae Variant Classification Sherloc (09022015). Collection method: clinical testing. Allele origin: germline.
Comment: This sequence change replaces glycine, which is neutral and non-polar, with glutamic acid, which is acidic and polar, at codon 272 of the RTN2 protein (p.Gly272Glu). This variant is present in population databases (rs746220946, gnomAD 0.004%). This variant has not been reported in the literature in individuals affected with RTN2-related conditions. ClinVar contains an entry for this variant (Variation ID: 2042645). An algorithm developed to predict the effect of missense changes on protein structure and function outputs the following: PolyPhen-2: "Benign". The glutamic acid amino acid residue is found in multiple mammalian species, which suggests that this missense change does not adversely affect protein function. In summary, the available evidence is currently insufficient to determine the role of this variant in disease. Therefore, it has been classified as a Variant of Uncertain Significance.

NM_005619.5(RTN2):c.815G>A (p.Gly272Glu)

Genes: OPA3-RTN2 (OPA3-RTN2 readthrough; minus strand), RTN2 (reticulon 2; minus strand). Cytogenetic location: 19q13.32.
Variant type: single nucleotide variant.
Coding change: c.815G>A on transcript NM_005619.5 (MANE Select); coding-DNA position 815, G replaced by A.
Protein change: p.Gly272Glu; replaces glycine 272 with glutamic acid.
Molecular consequence: missense variant. On other transcripts: intron variant (1).
Genome position (GRCh38, 1-based): chr19:45,493,378, C>T on the plus strand (G>A on the coding strand, the complement: RTN2 is on the minus strand). VCF-style: chr19-45493378-C-T. GRCh37 (hg19) VCF-style: chr19-45996636-C-T.
Other names: c.814+788G>A (NM_206900.3); short protein forms G272E.
Identifiers: ClinVar variation 2042645 (VCV002042645.4), dbSNP rs746220946, ClinGen allele CA9516157.
Genomic context (GRCh38, chr19:45,493,378, plus strand): 5'-ATTGGAACCGTCTTGTAAACAGCCAAAAGCAATGATGTCTTTAACCATTCCATAGCTGTT[C>T]CTGGAGGCGGAGCATATTTTAAAGTAAGGCTGGGTCATTTTACAACTGGCCAATAGATGT-3'
Protein context (NP_005610.1, residues 262-282): LEFTVEPRLL[Gly272Glu]TAMEWLKTSL